The following is an entry in ClinVar:

ClinVar aggregate classification (germline): Uncertain significance (1 of 4 stars; one submission).

Submission:

Greenwood Genetic Center Diagnostic Laboratories, Greenwood Genetic Center
Classification: Uncertain significance. Last evaluated: 2025-02-13. Review status: criteria provided, single submitter. Criteria: ACMG Guidelines, 2015. Collection method: clinical testing. Allele origin: germline.
Comment: Gene of Uncertain Significance

NM_014825.3(URB1):c.4356C>T (p.Leu1452=)

Gene: URB1 (URB1 ribosome biogenesis factor; minus strand). Cytogenetic location: 21q22.11.
Variant type: single nucleotide variant.
Coding change: c.4356C>T on transcript NM_014825.3 (MANE Select); coding-DNA position 4356, C replaced by T.
Protein change: p.Leu1452=; no amino-acid change (leucine 1452 retained).
Molecular consequence: synonymous variant.
Genome position (GRCh38, 1-based): chr21:32,338,861, G>A on the plus strand (C>T on the coding strand, the complement: URB1 is on the minus strand). VCF-style: chr21-32338861-G-A. GRCh37 (hg19) VCF-style: chr21-33711170-G-A.
Identifiers: ClinVar variation 4851656 (VCV004851656.1).
Genomic context (GRCh38, chr21:32,338,861, plus strand): 5'-GAGCTGGATGAGCTTCGTGCGCACGGAGCTTTCTGGGCTGTACAGGAGCTGTACGGCGGT[G>A]AGGAGCATCTTTAAAAATGTGTGGTCCTGGTACCGAAATCTAGGCGGCGAGAGTCAAAGG-3'
Protein context (NP_055640.2, residues 1442-1462): YQDHTFLKML[Leu1452=]TAVQLLYSPE